The following is an entry in ClinVar:

NM_004560.4(ROR2):c.1565_1569delinsTGTA (p.Arg522fs)

Gene: ROR2 (receptor tyrosine kinase like orphan receptor 2; minus strand). Cytogenetic location: 9q22.31.
Variant type: Indel.
Coding change: c.1565_1569delinsTGTA on transcript NM_004560.4 (MANE Select); coding-DNA positions 1565 to 1569, GGCAT replaced by TGTA.
Protein change: p.Arg522fs; shifts the reading frame from arginine 522.
Molecular consequence: frameshift variant.
Genome position (GRCh38, 1-based): chr9:91,724,925-91,724,929, ATGCC replaced by TACA on the plus strand (GGCAT replaced by TGTA on the coding strand, the reverse complement: ROR2 is on the minus strand). VCF-style: chr9-91724925-ATGCC-TACA. GRCh37 (hg19) VCF-style: chr9-94487207-ATGCC-TACA.
Other names: short protein forms R522fs.
Identifiers: ClinVar variation 627538 (VCV000627538.2), dbSNP rs1587655016, ClinGen allele CA915947031.

ClinVar aggregate classification (germline): Likely pathogenic (1 of 4 stars; one submission).

Conditions:
Autosomal recessive Robinow syndrome (RRS1). Also called: ROR2-Related Robinow Syndrome; COSTOVERTEBRAL SEGMENTATION DEFECT WITH MESOMELIA; COVESDEM SYNDROME; ROBINOW SYNDROME, AUTOSOMAL RECESSIVE 1. Identifiers: Orphanet 1507, Orphanet 97360, MedGen C5399974, MONDO:0009999, OMIM 268310.

Submission:

Department of Medical Genetics, Sanjay Gandhi Post Graduate Institute of Medical Sciences
Classification: Likely pathogenic for Autosomal recessive Robinow syndrome. Review status: criteria provided, single submitter. Criteria: ACMG Guidelines, 2015. Collection method: clinical testing. Allele origin: inherited. Inheritance: Autosomal recessive inheritance. Affected: yes. Observed: 1 homozygote.
Comment: Sanger sequencing showed a novel homozygous sequence variant in ROR2 gene resulting in frameshift. It is predicted as pathogenic by MutationTaster. This variant is classified as likely pathogenic which shows strong evidence of pathogenicity according to ACMG guidelines (Richards et al., 2015). This variant is not found in ExAC and 1000G databases.